The following is an entry in ClinVar:

ClinVar aggregate classification (germline): Pathogenic. Review status: criteria provided, multiple submitters, no conflicts (2 of 4 stars). 2 submissions from 2 submitters: Pathogenic (2). Last evaluated 2025-07-03.

Conditions:
Developmental and epileptic encephalopathy, 1 (DEE1). Also called: X-linked infantile spasms; West's syndrome; Tonic spasms with clustering, arrest of psychomotor development and hypsarrhythmia on EEG; X-Linked Infantile Spasm Syndrome; Epileptic encephalopathy, early infantile, 1; INFANTILE SPASM SYNDROME, X-LINKED 1. Identifiers: MedGen C3463992, MONDO:0010632, OMIM 308350. Disease mechanism: loss of function.
Autosomal recessive spinocerebellar ataxia 12. Also called: SPINOCEREBELLAR ATAXIA WITH MENTAL RETARDATION AND EPILEPSY. Identifiers: Orphanet 284282, MedGen C3280452, MONDO:0013687, OMIM 614322.

gnomAD v4.1: 6 of 1,614,000 alleles (0.00037%); highest among the groups gnomAD compares: Non-Finnish European, 0.00051%; no homozygotes.

Submissions (2):

GeneDx
Classification: Pathogenic. Last evaluated: 2025-07-03. Review status: criteria provided, single submitter. Criteria: GeneDx Variant Classification Process June 2021. Collection method: clinical testing. Allele origin: germline. Affected: yes.
Comment: Canonical splice site variant predicted to result in a null allele in a gene for which loss of function is a known mechanism of disease; Not observed at significant frequency in large population cohorts (gnomAD); This variant is associated with the following publications: (PMID: 30356099, 28721938, 27848944)

Labcorp Genetics (formerly Invitae), Labcorp
Classification: Pathogenic for Developmental and epileptic encephalopathy, 1; Autosomal recessive spinocerebellar ataxia 12. Last evaluated: 2024-11-19. Review status: criteria provided, single submitter. Criteria: Invitae Variant Classification Sherloc (09022015). Collection method: clinical testing. Allele origin: germline.
Comment: This sequence change affects an acceptor splice site in intron 2 of the WWOX gene. It is expected to disrupt RNA splicing. Variants that disrupt the donor or acceptor splice site typically lead to a loss of protein function (PMID: 16199547), and loss-of-function variants in WWOX are known to be pathogenic (PMID: 24456803, 25411445). This variant is not present in population databases (gnomAD no frequency). Disruption of this splice site has been observed in individual(s) with WWOX-related conditions (PMID: 27848944). In at least one individual the data is consistent with being in trans (on the opposite chromosome) from a pathogenic variant. ClinVar contains an entry for this variant (Variation ID: 2137848). Algorithms developed to predict the effect of sequence changes on RNA splicing suggest that this variant may disrupt the consensus splice site. For these reasons, this variant has been classified as Pathogenic.

Literature cited by the submitters: PubMed 16199547 (cited by Labcorp Genetics (formerly Invitae), Labcorp); PubMed 24456803 (cited by Labcorp Genetics (formerly Invitae), Labcorp); PubMed 25411445 (cited by Labcorp Genetics (formerly Invitae), Labcorp); PubMed 27848944 (cited by Labcorp Genetics (formerly Invitae), Labcorp).

NM_016373.4(WWOX):c.173-1G>T

Gene: WWOX (WW domain containing oxidoreductase; plus strand). Cytogenetic location: 16q23.1.
Variant type: single nucleotide variant.
Coding change: c.173-1G>T on transcript NM_016373.4 (MANE Select); the canonical splice acceptor site of the intron before coding-DNA position 173, G replaced by T.
Molecular consequence: splice acceptor variant.
Genome position (GRCh38, 1-based): chr16:78,109,777, G>T. VCF-style: chr16-78109777-G-T. GRCh37 (hg19) VCF-style: chr16-78143674-G-T.
Other names: c.-167-1G>T (NM_001291997.2); c.173-1G>T (NM_130791.5).
Identifiers: ClinVar variation 2137848 (VCV002137848.5), dbSNP rs1232899835, ClinGen allele CA396842123.